The following is an entry in ClinVar:

ClinVar aggregate classification (germline): Conflicting classifications of pathogenicity. Review status: criteria provided, conflicting classifications (1 of 4 stars). 2 submissions from 2 submitters: Uncertain significance (1); Benign (1). Last evaluated 2023-11-09.

Conditions:
Rubinstein-Taybi syndrome (RSTS). Identifiers: Orphanet 783, MedGen C0035934, MONDO:0019188.

Allele frequency attached by ClinVar (database versions not stated): ExAC 0.00001.
gnomAD v4.1: 6 of 1,614,118 alleles (0.00037%); highest among the groups gnomAD compares: Admixed American, 0.0083%; no homozygotes.

Submissions (2):

GeneDx
Classification: Uncertain significance. Last evaluated: 2023-11-09. Review status: criteria provided, single submitter. Criteria: GeneDx Variant Classification Process June 2021. Collection method: clinical testing. Allele origin: germline. Affected: yes.
Comment: In silico analysis supports that this missense variant has a deleterious effect on protein structure/function; Has not been previously published as pathogenic or benign to our knowledge

Labcorp Genetics (formerly Invitae), Labcorp
Classification: Benign for Rubinstein-Taybi syndrome. Last evaluated: 2023-03-22. Review status: criteria provided, single submitter. Criteria: Invitae Variant Classification Sherloc (09022015). Collection method: clinical testing. Allele origin: germline.

NM_004380.3(CREBBP):c.2663C>T (p.Pro888Leu)

Gene: CREBBP (CREB binding lysine acetyltransferase; minus strand). Cytogenetic location: 16p13.3.
Variant type: single nucleotide variant.
Coding change: c.2663C>T on transcript NM_004380.3 (MANE Select); coding-DNA position 2663, C replaced by T.
Protein change: p.Pro888Leu; replaces proline 888 with leucine.
Molecular consequence: missense variant.
Genome position (GRCh38, 1-based): chr16:3,770,787, G>A on the plus strand (C>T on the coding strand, the complement: CREBBP is on the minus strand). VCF-style: chr16-3770787-G-A. GRCh37 (hg19) VCF-style: chr16-3820788-G-A.
Other names: c.2663C>T (NM_004380.2); c.2549C>T, p.Pro850Leu (NM_001079846.1); short protein forms P888L, P850L.
Identifiers: ClinVar variation 2026155 (VCV002026155.5), dbSNP rs753048905, ClinGen allele CA7870055.